The following is an entry in ClinVar:

NM_000444.6(PHEX):c.1969T>C (p.Tyr657His)

Genes: PHEX (phosphate regulating endopeptidase X-linked; plus strand), PTCHD1-AS (PTCHD1 and PHEX antisense RNA; minus strand). Cytogenetic location: Xp22.11.
Variant type: single nucleotide variant.
Coding change: c.1969T>C on transcript NM_000444.6 (MANE Select); coding-DNA position 1969, T replaced by C.
Protein change: p.Tyr657His; replaces tyrosine 657 with histidine.
Molecular consequence: missense variant. On other transcripts: non-coding transcript variant (1).
Genome position (GRCh38, 1-based): chrX:22,227,510, T>C. VCF-style: chrX-22227510-T-C. GRCh37 (hg19) VCF-style: chrX-22245627-T-C.
Other names: c.1969T>C, p.Tyr657His (NM_001282754.2); short protein forms Y657H.
Identifiers: ClinVar variation 2169635 (VCV002169635.4), dbSNP rs2147184567, ClinGen allele CA412574287.

ClinVar aggregate classification (germline): Pathogenic (1 of 4 stars; one submission).

Submission:

Labcorp Genetics (formerly Invitae), Labcorp
Classification: Pathogenic. Last evaluated: 2022-05-29. Review status: criteria provided, single submitter. Criteria: Invitae Variant Classification Sherloc (09022015). Collection method: clinical testing. Allele origin: germline.
Comment: For these reasons, this variant has been classified as Pathogenic. This variant disrupts the p.Tyr657 amino acid residue in PHEX. Other variant(s) that disrupt this residue have been determined to be pathogenic (PMID: 19219621, 29707405). This suggests that this residue is clinically significant, and that variants that disrupt this residue are likely to be disease-causing. Advanced modeling of protein sequence and biophysical properties (such as structural, functional, and spatial information, amino acid conservation, physicochemical variation, residue mobility, and thermodynamic stability) performed at Invitae indicates that this missense variant is expected to disrupt PHEX protein function. This missense change has been observed in individuals with clinical features of hypophosphatemic rickets (PMID: 30682568; Invitae). This variant is not present in population databases (gnomAD no frequency). This sequence change replaces tyrosine, which is neutral and polar, with histidine, which is basic and polar, at codon 657 of the PHEX protein (p.Tyr657His).

Literature cited by the submitters: PubMed 19219621; PubMed 29707405; PubMed 30682568.